The following is an entry in ClinVar:

ClinVar aggregate classification (germline): Conflicting classifications of pathogenicity. Review status: criteria provided, conflicting classifications (1 of 4 stars). 7 submissions from 7 submitters: Uncertain significance (1); Benign (2); Likely benign (4). Last evaluated 2026-01-31.

Conditions:
NIPBL-related disorder. Also called: NIPBL-related condition.
Inborn genetic diseases. Identifiers: MedGen C0950123, MeSH D030342.
Cornelia de Lange syndrome 1 (CDLS1). Also called: NIPBL-Related Cornelia de Lange Syndrome; Brachmann de Lange syndrome; TYPUS DEGENERATIVUS AMSTELODAMENSIS. Identifiers: Orphanet 199, MedGen C4551851, MONDO:0007387, OMIM 122470.

Allele frequency attached by ClinVar (database versions not stated): ESP Exome Variant Server 0.00015; gnomAD 0.00016; TOPMed 0.00023; 1000 Genomes Project 0.00040; 1000 Genomes Project 30x 0.00047.
gnomAD v4.1: 292 of 1,614,012 alleles (0.018%); highest among the groups gnomAD compares: Admixed American, 0.048%; no homozygotes.

Submissions (7):

Labcorp Genetics (formerly Invitae), Labcorp
Classification: Likely benign for Cornelia de Lange syndrome 1. Last evaluated: 2026-01-31. Review status: criteria provided, single submitter. Criteria: Invitae Variant Classification Sherloc (09022015). Collection method: clinical testing. Allele origin: germline.

PreventionGenetics, part of Exact Sciences
Classification: Likely benign for NIPBL-related condition. Last evaluated: 2025-11-24. Review status: criteria provided, single submitter. Criteria: ACMG Guidelines, 2015. Collection method: clinical testing. Allele origin: germline.
Comment: This variant is classified as likely benign based on ACMG/AMP sequence variant interpretation guidelines (Richards et al. 2015 PMID: 25741868, with internal and published modifications).

Blueprint Genetics
Classification: Likely benign. Last evaluated: 2024-09-30. Review status: criteria provided, single submitter. Criteria: ACMG Guidelines, 2015. Collection method: clinical testing. Allele origin: germline.

Genome-Nilou Lab
Classification: Likely benign for Cornelia de Lange syndrome 1. Last evaluated: 2021-07-15. Review status: criteria provided, single submitter. Criteria: ACMG Guidelines, 2015. Collection method: clinical testing. Allele origin: germline. Affected: no.

GeneDx
Classification: Benign. Last evaluated: 2019-08-08. Review status: criteria provided, single submitter. Criteria: GeneDx Variant Classification Process June 2021. Collection method: clinical testing. Allele origin: germline. Affected: yes.

Ambry Genetics
Classification: Benign for Inborn genetic diseases. Last evaluated: 2018-06-20. Review status: criteria provided, single submitter. Criteria: Ambry Variant Classification Scheme 2023. Collection method: clinical testing. Allele origin: germline.

Genetic Services Laboratory, University of Chicago
Classification: Uncertain significance for Cornelia de Lange syndrome 1. Last evaluated: 2013-02-08. Review status: criteria provided, single submitter. Criteria: ACMG Guidelines, 2007. Collection method: clinical testing. Allele origin: germline. Inheritance: Autosomal dominant inheritance.

NM_133433.4(NIPBL):c.2903A>G (p.Asn968Ser)

Gene: NIPBL (NIPBL cohesin loading factor; plus strand). Cytogenetic location: 5p13.2.
Variant type: single nucleotide variant.
Coding change: c.2903A>G on transcript NM_133433.4 (MANE Select); coding-DNA position 2903, A replaced by G.
Protein change: p.Asn968Ser; replaces asparagine 968 with serine.
Molecular consequence: missense variant.
Genome position (GRCh38, 1-based): chr5:36,986,083, A>G. VCF-style: chr5-36986083-A-G. GRCh37 (hg19) VCF-style: chr5-36986185-A-G.
Other names: c.2903A>G, p.Asn968Ser (NM_015384.5); short protein forms N968S.
Identifiers: ClinVar variation 159066 (VCV000159066.22), dbSNP rs180747605, ClinGen allele CA272035.